The following is an entry in ClinVar:

ClinVar aggregate classification (germline): Uncertain significance (1 of 4 stars; one submission).

Conditions:
Hereditary cancer-predisposing syndrome. Also called: Neoplastic Syndromes, Hereditary; Tumor predisposition; Hereditary neoplastic syndrome; Hereditary Cancer Syndrome. Identifiers: Orphanet 140162, MedGen C0027672, MeSH D009386, MONDO:0015356.

Submission:

Ambry Genetics
Classification: Uncertain significance for Hereditary cancer-predisposing syndrome. Last evaluated: 2024-02-12. Review status: criteria provided, single submitter. Criteria: Ambry Variant Classification Scheme 2023. Collection method: clinical testing. Allele origin: germline.
Comment: The p.P256T variant (also known as c.766C>A), located in coding exon 6 of the CDK4 gene, results from a C to A substitution at nucleotide position 766. The proline at codon 256 is replaced by threonine, an amino acid with highly similar properties. This amino acid position is conserved. In addition, this alteration is predicted to be tolerated by in silico analysis. Based on the available evidence, the clinical significance of this alteration remains unclear.

NM_000075.4(CDK4):c.766C>A (p.Pro256Thr)

Genes: TSPAN31 (tetraspanin 31; plus strand), CDK4 (cyclin dependent kinase 4; minus strand). Cytogenetic location: 12q14.1.
Variant type: single nucleotide variant.
Coding change: c.766C>A on transcript NM_000075.4 (MANE Select); coding-DNA position 766, C replaced by A.
Protein change: p.Pro256Thr; replaces proline 256 with threonine.
Molecular consequence: missense variant. On other transcripts: 3 prime UTR variant (3).
Genome position (GRCh38, 1-based): chr12:57,749,235, G>T on the plus strand (C>A on the coding strand, the complement: CDK4 is on the minus strand). VCF-style: chr12-57749235-G-T. GRCh37 (hg19) VCF-style: chr12-58143018-G-T.
Other names: c.*1945G>T (NM_001330168.2, NM_001330169.2, NM_005981.5); short protein forms P256T.
Identifiers: ClinVar variation 3230243 (VCV003230243.1), dbSNP rs2140382800, ClinGen allele CA385543262.